The following is an entry in ClinVar:

ClinVar aggregate classification (germline): Uncertain significance (1 of 4 stars; one submission).

Conditions:
Desbuquois dysplasia 1 (DBQD1). Also called: MICROMELIC DWARFISM WITH VERTEBRAL AND METAPHYSEAL ABNORMALITIES AND ADVANCED CARPOTARSAL OSSIFICATION; DESBUQUOIS DYSPLASIA 1, KIM VARIANT. Identifiers: Orphanet 1425, MedGen C4012146, MONDO:0009629, OMIM 251450.

gnomAD v4.1: 2 of 1,535,494 alleles (0.00013%); highest among the groups gnomAD compares: African/African-American, 0.0027%; no homozygotes.

Submission:

Labcorp Genetics (formerly Invitae), Labcorp
Classification: Uncertain significance for Desbuquois dysplasia 1. Last evaluated: 2025-03-18. Review status: criteria provided, single submitter. Criteria: Invitae Variant Classification Sherloc (09022015). Collection method: clinical testing. Allele origin: germline.
Comment: This sequence change replaces glycine, which is neutral and non-polar, with valine, which is neutral and non-polar, at codon 861 of the XYLT1 protein (p.Gly861Val). The frequency data for this variant in the population databases is considered unreliable, as metrics indicate poor data quality at this position in the gnomAD database. This variant has not been reported in the literature in individuals affected with XYLT1-related conditions. Invitae Evidence Modeling of protein sequence and biophysical properties (such as structural, functional, and spatial information, amino acid conservation, physicochemical variation, residue mobility, and thermodynamic stability) indicates that this missense variant is expected to disrupt XYLT1 protein function with a positive predictive value of 80%. In summary, the available evidence is currently insufficient to determine the role of this variant in disease. Therefore, it has been classified as a Variant of Uncertain Significance.

NM_022166.4(XYLT1):c.2582G>T (p.Gly861Val)

Gene: XYLT1 (xylosyltransferase 1; minus strand). Cytogenetic location: 16p12.3.
Variant type: single nucleotide variant.
Coding change: c.2582G>T on transcript NM_022166.4 (MANE Select); coding-DNA position 2582, G replaced by T.
Protein change: p.Gly861Val; replaces glycine 861 with valine.
Molecular consequence: missense variant.
Genome position (GRCh38, 1-based): chr16:17,108,993, C>A on the plus strand (G>T on the coding strand, the complement: XYLT1 is on the minus strand). VCF-style: chr16-17108993-C-A. GRCh37 (hg19) VCF-style: chr16-17202850-C-A.
Other names: short protein forms G861V.
Identifiers: ClinVar variation 4696013 (VCV004696013.1).